The following is an entry in ClinVar:

NM_000548.5(TSC2):c.672C>A (p.Ala224=)

Gene: TSC2 (TSC complex subunit 2; plus strand). Cytogenetic location: 16p13.3.
Variant type: single nucleotide variant.
Coding change: c.672C>A on transcript NM_000548.5 (MANE Select); coding-DNA position 672, C replaced by A.
Protein change: p.Ala224=; no amino-acid change (alanine 224 retained).
Molecular consequence: synonymous variant. On other transcripts: 5 prime UTR variant (10), non-coding transcript variant (5).
Genome position (GRCh38, 1-based): chr16:2,056,667, C>A. VCF-style: chr16-2056667-C-A. GRCh37 (hg19) VCF-style: chr16-2106668-C-A.
Other names: c.561C>A, p.Ala187= (NM_001318827.2, NM_001406670.1, NM_001406678.1); c.525C>A, p.Ala175= (NM_001318829.2, NM_001406675.1, NM_001406676.1 and 1 more transcripts); c.72C>A, p.Ala24= (NM_001318831.2, NM_001406680.1, NM_001406682.1 and 6 more transcripts); c.705C>A, p.Ala235= (NM_001318832.2); c.672C>A, p.Ala224= (NM_001363528.2, NM_001370404.1, NM_001370405.1 and 6 more transcripts); c.762C>A, p.Ala254= (NM_001406667.1, NM_001406668.1); c.660C>A, p.Ala220= (NM_001406671.1, NM_001406673.1); c.615C>A, p.Ala205= (NM_001406677.1); and 4 more.
Identifiers: ClinVar variation 3578782 (VCV003578782.2).
Genomic context (GRCh38, chr16:2,056,667, plus strand): 5'-GGGTAGGACGGGCGTGAGCCGTCTCCCTCTCCACCAGGTCTCCCTGCAGGTGCTGGACGC[C>A]GTGGTCTGCTACAACTGCCTGCCGGCTGAGAGCCTCCCGCTGTTCATCGTTACCCTCTGT-3'
Protein context (NP_000539.2, residues 214-234): DIEVSLQVLD[Ala224=]VVCYNCLPAE

ClinVar aggregate classification (germline): Conflicting classifications of pathogenicity. Review status: criteria provided, conflicting classifications (1 of 4 stars). 2 submissions from 2 submitters: Uncertain significance (1); Benign (1). Last evaluated 2025-05-08.

Conditions:
Lymphangiomyomatosis (LAM). Also called: Lymphangioleiomyomatosis; Lymphangioleiomyomatosis, somatic. Identifiers: Orphanet 538, MedGen C0751674, MONDO:0011705, OMIM 606690.
Tuberous sclerosis 2 (TSC2). Identifiers: Orphanet 805, MedGen C1860707, MONDO:0013199, OMIM 613254.
Isolated focal cortical dysplasia type II (FCORD2). Also called: CORTICAL DYSPLASIA OF TAYLOR; Focal cortical dysplasia type II. Identifiers: Orphanet 268994, MedGen C1846385, MONDO:0011818, OMIM 607341, HP:0032051.

gnomAD v4.1: 1 of 1,611,932 alleles (0.000062%); highest among the groups gnomAD compares: African/African-American, 0.0013%; no homozygotes.

Submissions (2):

Myriad Genetics, Inc.
Classification: Benign for Tuberous sclerosis 2. Last evaluated: 2025-05-08. Review status: criteria provided, single submitter. Criteria: Myriad Autosomal Dominant, Autosomal Recessive and X-Linked Classification Criteria (2023). Collection method: clinical testing. Allele origin: unknown.
Comment: This variant is considered benign. This variant is a silent/synonymous amino acid change and it is not expected to impact splicing.

Fulgent Genetics
Classification: Uncertain significance for Lymphangiomyomatosis; Isolated focal cortical dysplasia type II; Tuberous sclerosis 2. Last evaluated: 2024-04-12. Review status: criteria provided, single submitter. Criteria: ACMG Guidelines, 2015. Collection method: clinical testing. Allele origin: germline.